The following is an entry in ClinVar:

ClinVar aggregate classification (germline): Uncertain significance. Review status: criteria provided, multiple submitters, no conflicts (2 of 4 stars). 2 submissions from 2 submitters: Uncertain significance (2). Last evaluated 2026-01-25.

Conditions:
Naxos disease (NXD). Also called: KERATOSIS PALMOPLANTARIS WITH ARRHYTHMOGENIC CARDIOMYOPATHY; MAL DE NAXOS; PALMOPLANTAR KERATODERMA WITH ARRHYTHMOGENIC RIGHT VENTRICULAR CARDIOMYOPATHY AND WOOLLY HAIR; WOOLLY HAIR, PALMOPLANTAR KERATODERMA, AND CARDIAC ABNORMALITIES; CARDIOMYOPATHY, ARRHYTHMOGENIC RIGHT VENTRICULAR, WITH SKIN, HAIR, AND NAIL ABNORMALITIES. Identifiers: Orphanet 34217, MedGen C1832600, MONDO:0011017, OMIM 601214.
Arrhythmogenic right ventricular dysplasia 12. Also called: ARRHYTHMOGENIC RIGHT VENTRICULAR DYSPLASIA, FAMILIAL, 12. Identifiers: MedGen C1969081, MONDO:0012684, OMIM 611528.
Cardiovascular phenotype. Identifiers: MedGen CN230736.

gnomAD v4.1: 25 of 1,614,070 alleles (0.0015%); highest among the groups gnomAD compares: Non-Finnish European, 0.0021%; no homozygotes.

Submissions (2):

Labcorp Genetics (formerly Invitae), Labcorp
Classification: Uncertain significance for Arrhythmogenic right ventricular dysplasia 12; Naxos disease. Last evaluated: 2026-01-25. Review status: criteria provided, single submitter. Criteria: Invitae Variant Classification Sherloc (09022015). Collection method: clinical testing. Allele origin: germline.
Comment: This sequence change replaces valine, which is neutral and non-polar, with alanine, which is neutral and non-polar, at codon 456 of the JUP protein (p.Val456Ala). This variant is not present in population databases (gnomAD no frequency). This variant has not been reported in the literature in individuals affected with JUP-related conditions. ClinVar contains an entry for this variant (Variation ID: 3862352). An algorithm developed to predict the effect of missense changes on protein structure and function (PolyPhen-2) suggests that this variant is likely to be disruptive. In summary, the available evidence is currently insufficient to determine the role of this variant in disease. Therefore, it has been classified as a Variant of Uncertain Significance.

Ambry Genetics
Classification: Uncertain significance for Cardiovascular phenotype. Last evaluated: 2025-03-02. Review status: criteria provided, single submitter. Criteria: Ambry Variant Classification Scheme 2023. Collection method: clinical testing. Allele origin: germline.
Comment: The p.V456A variant (also known as c.1367T>C), located in coding exon 7 of the JUP gene, results from a T to C substitution at nucleotide position 1367. The valine at codon 456 is replaced by alanine, an amino acid with similar properties. This amino acid position is conserved. In addition, the in silico prediction for this alteration is inconclusive. Based on the available evidence, the clinical significance of this variant remains unclear.

NM_002230.4(JUP):c.1367T>C (p.Val456Ala)

Gene: JUP (junction plakoglobin; minus strand). Cytogenetic location: 17q21.2.
Variant type: single nucleotide variant.
Coding change: c.1367T>C on transcript NM_002230.4 (MANE Select); coding-DNA position 1367, T replaced by C.
Protein change: p.Val456Ala; replaces valine 456 with alanine.
Molecular consequence: missense variant.
Genome position (GRCh38, 1-based): chr17:41,763,113, A>G on the plus strand (T>C on the coding strand, the complement: JUP is on the minus strand). VCF-style: chr17-41763113-A-G. GRCh37 (hg19) VCF-style: chr17-39919365-A-G.
Other names: c.1367T>C, p.Val456Ala (NM_001352773.2, NM_001352774.2, NM_001352775.2 and 3 more transcripts); short protein forms V456A.
Identifiers: ClinVar variation 3862352 (VCV003862352.2).
Genomic context (GRCh38, chr17:41,763,113, plus strand): 5'-ACAGAGTTCTGGGCCATCTCGGCCTCAGGGTGGCGGCTAGTGAGGTGGCGCAGAGCGCAG[A>G]CGGCAGGCTCCGTGATGTCGTCCTTGTCACCAGCACGCAGGATGGCATGGATGAGAGCCT-3'
Protein context (NP_002221.1, residues 446-466): GDKDDITEPA[Val456Ala]CALRHLTSRH